The following is an entry in ClinVar:

ClinVar aggregate classification (germline): Uncertain significance. Review status: criteria provided, multiple submitters, no conflicts (2 of 4 stars). 3 submissions from 3 submitters: Uncertain significance (3). Last evaluated 2025-08-01.

Conditions:
Hereditary cancer-predisposing syndrome. Also called: Tumor predisposition; Hereditary Cancer Syndrome; Hereditary neoplastic syndrome; Neoplastic Syndromes, Hereditary. Identifiers: Orphanet 140162, MedGen C0027672, MeSH D009386, MONDO:0015356.
Fanconi anemia complementation group U. Identifiers: MedGen C4310651, MONDO:0014987, OMIM 617247.

Allele frequency attached by ClinVar (database versions not stated): ExAC 0.00001; gnomAD exomes 0.00001 and 0.00002; gnomAD 0.00002; TOPMed 0.00002.
gnomAD v4.1: 26 of 1,613,664 alleles (0.0016%); highest among the groups gnomAD compares: East Asian, 0.0045%; no homozygotes.

Submissions (3):

Ambry Genetics
Classification: Uncertain significance for Hereditary cancer-predisposing syndrome. Last evaluated: 2025-08-01. Review status: criteria provided, single submitter. Criteria: Ambry Variant Classification Scheme 2023. Collection method: clinical testing. Allele origin: germline.
Comment: The p.R91Q variant (also known as c.272G>A), located in coding exon 3 of the XRCC2 gene, results from a G to A substitution at nucleotide position 272. The arginine at codon 91 is replaced by glutamine, an amino acid with highly similar properties. This amino acid position is highly conserved in available vertebrate species. In addition, this alteration is predicted to be deleterious by in silico analysis. Since supporting evidence is limited at this time, the clinical significance of this alteration remains unclear.

Genomic Medicine Center of Excellence, King Faisal Specialist Hospital and Research Centre
Classification: Uncertain significance for Fanconi anemia complementation group U. Last evaluated: 2024-09-22. Review status: criteria provided, single submitter. Criteria: ACMG Guidelines, 2015. Collection method: clinical testing. Allele origin: germline.

Labcorp Genetics (formerly Invitae), Labcorp
Classification: Uncertain significance. Last evaluated: 2023-09-21. Review status: criteria provided, single submitter. Criteria: Invitae Variant Classification Sherloc (09022015). Collection method: clinical testing. Allele origin: germline.
Comment: This variant is present in population databases (rs776959023, gnomAD 0.002%). In summary, the available evidence is currently insufficient to determine the role of this variant in disease. Therefore, it has been classified as a Variant of Uncertain Significance. Advanced modeling of protein sequence and biophysical properties (such as structural, functional, and spatial information, amino acid conservation, physicochemical variation, residue mobility, and thermodynamic stability) performed at Invitae indicates that this missense variant is expected to disrupt XRCC2 protein function. ClinVar contains an entry for this variant (Variation ID: 486726). This variant has not been reported in the literature in individuals affected with XRCC2-related conditions. This sequence change replaces arginine, which is basic and polar, with glutamine, which is neutral and polar, at codon 91 of the XRCC2 protein (p.Arg91Gln).

NM_005431.2(XRCC2):c.272G>A (p.Arg91Gln)

Gene: XRCC2 (X-ray repair cross complementing 2; minus strand). Cytogenetic location: 7q36.1.
Variant type: single nucleotide variant.
Coding change: c.272G>A on transcript NM_005431.2 (MANE Select); coding-DNA position 272, G replaced by A.
Protein change: p.Arg91Gln; replaces arginine 91 with glutamine.
Molecular consequence: missense variant.
Genome position (GRCh38, 1-based): chr7:152,649,213, C>T on the plus strand (G>A on the coding strand, the complement: XRCC2 is on the minus strand). VCF-style: chr7-152649213-C-T. GRCh37 (hg19) VCF-style: chr7-152346298-C-T.
Other names: short protein forms R91Q.
Identifiers: ClinVar variation 486726 (VCV000486726.16), dbSNP rs776959023, ClinGen allele CA4582363.